The following is an entry in ClinVar:

NM_001199165.4(CEP112):c.955+1G>A

Gene: CEP112 (centrosomal protein 112; minus strand). Cytogenetic location: 17q24.1.
Variant type: single nucleotide variant.
Coding change: c.955+1G>A on transcript NM_001199165.4 (MANE Select); the canonical splice donor site of the intron after coding-DNA position 955, G replaced by A.
Molecular consequence: splice donor variant.
Genome position (GRCh38, 1-based): chr17:66,066,777, C>T on the plus strand (G>A on the coding strand, the complement: CEP112 is on the minus strand). VCF-style: chr17-66066777-C-T. GRCh37 (hg19) VCF-style: chr17-64062895-C-T.
Other names: c.829+1G>A (NM_001353128.2, NM_001302891.3); c.958+1G>A (NM_001353129.2); c.955+1G>A (NM_001353127.2).
Identifiers: ClinVar variation 4850327 (VCV004850327.1).

ClinVar aggregate classification (germline): Likely pathogenic (1 of 4 stars; one submission).

Conditions:
Spermatogenic failure 44. Identifiers: MedGen C5436678, MONDO:0033622, OMIM 619044.

gnomAD v4.1: 3 of 1,512,046 alleles (0.0002%); highest among the groups gnomAD compares: Non-Finnish European, 0.00027%; no homozygotes.

Submission:

First Genomix Gene Laboratory, Genetic Diagnostics Department
Classification: Likely pathogenic for Spermatogenic failure 44. Last evaluated: 2025-09-15. Review status: criteria provided, single submitter. Criteria: ACMG Guidelines, 2015. Collection method: clinical testing. Allele origin: germline. Inheritance: Autosomal recessive inheritance. Affected: no. Observed: 1 variant allele.